The following is an entry in ClinVar:

ClinVar aggregate classification (germline): Uncertain significance. Review status: criteria provided, multiple submitters, no conflicts (2 of 4 stars). 2 submissions from 2 submitters: Uncertain significance (2). Last evaluated 2026-07-06.

Conditions:
Hereditary cancer-predisposing syndrome. Also called: Hereditary Cancer Syndrome; Tumor predisposition; Neoplastic Syndromes, Hereditary; Hereditary neoplastic syndrome. Identifiers: Orphanet 140162, MedGen C0027672, MeSH D009386, MONDO:0015356.
Tuberous sclerosis 2 (TSC2). Identifiers: Orphanet 805, MedGen C1860707, MONDO:0013199, OMIM 613254.

Submissions (2):

Ambry Genetics
Classification: Uncertain significance for Hereditary cancer-predisposing syndrome. Last evaluated: 2026-07-06. Review status: criteria provided, single submitter. Criteria: Ambry Variant Classification Scheme 2023. Collection method: clinical testing. Allele origin: germline.
Comment: The p.P953A variant (also known as c.2857C>G), located in coding exon 25 of the TSC2 gene, results from a C to G substitution at nucleotide position 2857. The proline at codon 953 is replaced by alanine, an amino acid with highly similar properties. This amino acid position is conserved. In addition, the in silico prediction for this alteration is inconclusive. Based on the available evidence, the clinical significance of this variant remains unclear.

Labcorp Genetics (formerly Invitae), Labcorp
Classification: Uncertain significance for Tuberous sclerosis 2. Last evaluated: 2021-04-22. Review status: criteria provided, single submitter. Criteria: Invitae Variant Classification Sherloc (09022015). Collection method: clinical testing. Allele origin: germline.
Comment: In summary, the available evidence is currently insufficient to determine the role of this variant in disease. Therefore, it has been classified as a Variant of Uncertain Significance. Advanced modeling of protein sequence and biophysical properties (such as structural, functional, and spatial information, amino acid conservation, physicochemical variation, residue mobility, and thermodynamic stability) performed at Invitae indicates that this missense variant is not expected to disrupt TSC2 protein function. This variant has not been reported in the literature in individuals with TSC2-related conditions. This variant is not present in population databases (ExAC no frequency). This sequence change replaces proline with alanine at codon 953 of the TSC2 protein (p.Pro953Ala). The proline residue is weakly conserved and there is a small physicochemical difference between proline and alanine.

NM_000548.5(TSC2):c.2857C>G (p.Pro953Ala)

Gene: TSC2 (TSC complex subunit 2; plus strand). Cytogenetic location: 16p13.3.
Variant type: single nucleotide variant.
Coding change: c.2857C>G on transcript NM_000548.5 (MANE Select); coding-DNA position 2857, C replaced by G.
Protein change: p.Pro953Ala; replaces proline 953 with alanine.
Molecular consequence: missense variant. On other transcripts: intron variant (9).
Genome position (GRCh38, 1-based): chr16:2,077,617, C>G. VCF-style: chr16-2077617-C-G. GRCh37 (hg19) VCF-style: chr16-2127618-C-G.
Other names: c.2857C>G, p.Pro953Ala (NM_001114382.3); c.2837+1032C>G (NM_021055.3, NM_001370405.1, NM_001363528.2 and 2 more transcripts); c.2726+1032C>G (NM_001318827.2); c.2237+1032C>G (NM_001318831.2); c.2690+1032C>G (NM_001318829.2); c.2870+1032C>G (NM_001318832.2); c.2857C>G (NM_000548.3); short protein forms P953A.
Identifiers: ClinVar variation 1514016 (VCV001514016.9), dbSNP rs2151413577, ClinGen allele CA394280836.